The following is an entry in ClinVar:

NM_001830.4(CLCN4):c.1717G>A (p.Glu573Lys)

Gene: CLCN4 (Cl-/H+ antiporter 4; plus strand). Cytogenetic location: Xp22.2.
Variant type: single nucleotide variant.
Coding change: c.1717G>A on transcript NM_001830.4 (MANE Select); coding-DNA position 1717, G replaced by A.
Protein change: p.Glu573Lys; replaces glutamic acid 573 with lysine.
Molecular consequence: missense variant.
Genome position (GRCh38, 1-based): chrX:10,213,821, G>A. VCF-style: chrX-10213821-G-A. GRCh37 (hg19) VCF-style: chrX-10181861-G-A.
Other names: c.1435G>A, p.Glu479Lys (NM_001256944.2); short protein forms E479K, E573K.
Identifiers: ClinVar variation 972365 (VCV000972365.11), dbSNP rs1837099129, ClinGen allele CA412041881.

ClinVar aggregate classification (germline): Uncertain significance. Review status: criteria provided, multiple submitters, no conflicts (2 of 4 stars). 2 submissions from 2 submitters: Uncertain significance (2). Last evaluated 2025-12-09.

Conditions:
Inborn genetic diseases. Identifiers: MedGen C0950123, MeSH D030342.

Allele frequency attached by ClinVar (database versions not stated): gnomAD exomes below 0.00001; TOPMed below 0.00001.
gnomAD v4.1: 1 of 1,212,131 alleles (0.000082%); highest among the groups gnomAD compares: Non-Finnish European, 0.00011%; no homozygotes.

Submissions (2):

Ambry Genetics
Classification: Uncertain significance for Inborn genetic diseases. Last evaluated: 2025-12-09. Review status: criteria provided, single submitter. Criteria: Ambry Variant Classification Scheme 2023. Collection method: clinical testing. Allele origin: germline.

Labcorp Genetics (formerly Invitae), Labcorp
Classification: Uncertain significance. Last evaluated: 2023-05-19. Review status: criteria provided, single submitter. Criteria: Invitae Variant Classification Sherloc (09022015). Collection method: clinical testing. Allele origin: germline.
Comment: Advanced modeling of protein sequence and biophysical properties (such as structural, functional, and spatial information, amino acid conservation, physicochemical variation, residue mobility, and thermodynamic stability) performed at Invitae indicates that this missense variant is expected to disrupt CLCN4 protein function. This sequence change replaces glutamic acid, which is acidic and polar, with lysine, which is basic and polar, at codon 573 of the CLCN4 protein (p.Glu573Lys). This variant is not present in population databases (gnomAD no frequency). This variant has not been reported in the literature in individuals affected with CLCN4-related conditions. ClinVar contains an entry for this variant (Variation ID: 972365). In summary, the available evidence is currently insufficient to determine the role of this variant in disease. Therefore, it has been classified as a Variant of Uncertain Significance.